The following is an entry in ClinVar:

NM_000051.4(ATM):c.1386T>A (p.Val462=)

Gene: ATM (ATM serine/threonine kinase; plus strand). Cytogenetic location: 11q22.3.
Variant type: single nucleotide variant.
Coding change: c.1386T>A on transcript NM_000051.4 (MANE Select); coding-DNA position 1386, T replaced by A.
Protein change: p.Val462=; no amino-acid change (valine 462 retained).
Molecular consequence: synonymous variant.
Genome position (GRCh38, 1-based): chr11:108,250,851, T>A. VCF-style: chr11-108250851-T-A. GRCh37 (hg19) VCF-style: chr11-108121578-T-A.
Other names: c.1386T>A, p.Val462= (NM_001351834.2).
Identifiers: ClinVar variation 819025 (VCV000819025.5), dbSNP rs1591523725, ClinGen allele CA476671963.
Genomic context (GRCh38, chr11:108,250,851, plus strand): 5'-TCTACCCCAACAGCGACATGGGGAACGTACACCATATGTGTTACGATGCCTTACGGAAGT[T>A]GCATTGTGTCAAGACAAGAGGTCAAACCTAGAAAGCTCACAAAAGTCAGATTTATTAAAA-3'
Protein context (NP_000042.3, residues 452-472): TPYVLRCLTE[Val462=]ALCQDKRSNL

ClinVar aggregate classification (germline): Benign/Likely benign. Review status: criteria provided, multiple submitters, no conflicts (2 of 4 stars). 2 submissions from 2 submitters: Benign (1); Likely benign (1). Last evaluated 2024-04-29.

Conditions:
Hereditary cancer-predisposing syndrome. Also called: Tumor predisposition; Hereditary neoplastic syndrome; Neoplastic Syndromes, Hereditary; Hereditary Cancer Syndrome. Identifiers: Orphanet 140162, MedGen C0027672, MeSH D009386, MONDO:0015356.
Familial cancer of breast. Also called: hereditary breast carcinoma; Hereditary breast cancer; BREAST CANCER, FAMILIAL. Identifiers: Orphanet 227535, MedGen C0346153, MONDO:0016419, OMIM 114480. Disease mechanism: loss of function.

Submissions (2):

Myriad Genetics, Inc.
Classification: Benign for Familial cancer of breast. Last evaluated: 2024-04-29. Review status: criteria provided, single submitter. Criteria: Myriad Autosomal Dominant, Autosomal Recessive and X-Linked Classification Criteria (2023). Collection method: clinical testing. Allele origin: unknown.
Comment: This variant is considered benign. This variant is a silent/synonymous amino acid change and it is not expected to impact splicing.

Ambry Genetics
Classification: Likely benign for Hereditary cancer-predisposing syndrome. Last evaluated: 2018-06-13. Review status: criteria provided, single submitter. Criteria: Ambry Variant Classification Scheme 2023. Collection method: clinical testing. Allele origin: germline.